The following is an entry in ClinVar:

NM_000321.3(RB1):c.1887_1888del (p.Glu629fs)

Gene: RB1 (RB transcriptional corepressor 1; plus strand). Cytogenetic location: 13q14.2.
Variant type: Microsatellite.
Coding change: c.1887_1888del on transcript NM_000321.3 (MANE Select); coding-DNA positions 1887 to 1888, 2 bases deleted (GA; older notation c.1887_1888delGA).
Protein change: p.Glu629fs; shifts the reading frame from glutamic acid 629.
Molecular consequence: frameshift variant.
Genome position (GRCh38, 1-based): chr13:48,456,276-48,456,277, GA deleted; deleting any 2 consecutive bases within chr13:48,456,273-48,456,277 gives the same sequence; the c. name uses the placement nearest the transcript's 3' end. VCF-style (leftmost placement, unchanged base first): chr13-48456272-CAG-C. GRCh37 (hg19) VCF-style: chr13-49030408-CAG-C.
Other names: c.1887_1888delGA (NM_000321.3); short protein forms E629fs.
Identifiers: ClinVar variation 1458469 (VCV001458469.9), dbSNP rs2138331297, ClinGen allele CA645571602.

ClinVar aggregate classification (germline): Pathogenic. Review status: criteria provided, multiple submitters, no conflicts (2 of 4 stars). 3 submissions from 3 submitters: Pathogenic (2). 1 of the submissions does not count toward it. Last evaluated 2024-05-20.
ClinVar aggregate classification (oncogenicity): Likely oncogenic (1 of 4 stars; one submission).

Conditions:
Retinoblastoma (RB1). Also called: RETINOBLASTOMA, SOMATIC. Identifiers: Orphanet 790, MedGen C0035335, MeSH D012175, MONDO:0008380, OMIM 180200, HP:0009919. Disease mechanism: loss of function. Inheritance: Both sporadic and heritable forms are tested..
Neoplasm. Also called: Neoplasms; tumor; Neoplasm (disease). Identifiers: MedGen C0027651, MeSH D009369, MONDO:0005070, HP:0002664.

Submissions (4):

Center for Genomic Medicine, Rigshospitalet, Copenhagen University Hospital
Classification: Likely oncogenic for Neoplasm. Last evaluated: 2026-10-16. Review status: criteria provided, single submitter. Criteria: ClinGen/CGC/VICC Guidelines for Oncogenicity, 2022. Collection method: clinical testing. Allele origin: somatic. Affected: yes.

Genetic Diagnostic Laboratory, University of Pennsylvania School of Medicine
Classification: Pathogenic for Retinoblastoma. Last evaluated: 2024-05-20. Review status: criteria provided, single submitter. Criteria: ACMG Guidelines, 2015. Collection method: clinical testing. Allele origin: germline. Affected: yes. Observed: 1 variant allele.
Comment: Case and Pedigree Information: BILATERAL CASES:1, UNILATERAL CASES:0, TOTAL CASES:1, PEDIGREES:1. ACMG Codes Applied:PVS1, PM2

Labcorp Genetics (formerly Invitae), Labcorp
Classification: Pathogenic for Retinoblastoma. Last evaluated: 2021-09-10. Review status: criteria provided, single submitter. Criteria: Invitae Variant Classification Sherloc (09022015). Collection method: clinical testing. Allele origin: germline.
Comment: This sequence change creates a premature translational stop signal (p.Glu629Aspfs*23) in the RB1 gene. It is expected to result in an absent or disrupted protein product. Loss-of-function variants in RB1 are known to be pathogenic (PMID: 17096365). This variant is not present in population databases (ExAC no frequency). This premature translational stop signal has been observed in individual(s) with bilateral retinoblastoma (PMID: 7795591, 27983729). This variant is also known as 628delAG. For these reasons, this variant has been classified as Pathogenic.

Clinical Genetics and Genomics Laboratory, Noor Shahriyar Hospital
Classification: Pathogenic for Retinoblastoma. Last evaluated: 2016-12-12. Review status: no assertion criteria provided. Collection method: clinical testing. Allele origin: germline. Affected: yes. Not counted in ClinVar's aggregate classification.
Comment: The NM_000321 c.1887_1888delGA, is a nonsense variant in RB1 which is predicted to result in a premature stop codon at position 651, and likely results in an absent or disrupted protein product (PVS1).

Variant c.1887_1888delGA (in RB1 gene) was first seen in persian population with Retinoblastoma (PMID: 27983729)

Literature cited by the submitters: PubMed 17096365 (cited by Labcorp Genetics (formerly Invitae), Labcorp); PubMed 7795591 (cited by Labcorp Genetics (formerly Invitae), Labcorp); PubMed 27983729 (cited by Labcorp Genetics (formerly Invitae), Labcorp and Clinical Genetics and Genomics Laboratory, Noor Shahriyar Hospital).